The following is an entry in ClinVar:

NM_001134831.2(AHI1):c.1682T>C (p.Val561Ala)

Gene: AHI1 (Abelson helper integration site 1; minus strand). Cytogenetic location: 6q23.3.
Variant type: single nucleotide variant.
Coding change: c.1682T>C on transcript NM_001134831.2 (MANE Select); coding-DNA position 1682, T replaced by C.
Protein change: p.Val561Ala; replaces valine 561 with alanine.
Molecular consequence: missense variant.
Genome position (GRCh38, 1-based): chr6:135,447,105, A>G on the plus strand (T>C on the coding strand, the complement: AHI1 is on the minus strand). VCF-style: chr6-135447105-A-G. GRCh37 (hg19) VCF-style: chr6-135768243-A-G.
Other names: c.1682T>C, p.Val561Ala (NM_001134830.2, NM_001134832.2, NM_001350503.2 and 2 more transcripts); short protein forms V561A.
Identifiers: ClinVar variation 1413641 (VCV001413641.7), dbSNP rs2128056468, ClinGen allele CA365744917.

ClinVar aggregate classification (germline): Uncertain significance (1 of 4 stars; one submission).

Conditions:
Joubert syndrome. Also called: CEREBELLOPARENCHYMAL DISORDER IV; JOUBERT-BOLTSHAUSER SYNDROME; Familial aplasia of the vermis. Identifiers: Orphanet 475, MedGen C5979921, MONDO:0018772.

Allele frequency attached by ClinVar (database versions not stated): gnomAD exomes below 0.00001.
gnomAD v4.1: 1 of 1,612,038 alleles (0.000062%); highest among the groups gnomAD compares: Non-Finnish European, 0.000085%; no homozygotes.

Submission:

Labcorp Genetics (formerly Invitae), Labcorp
Classification: Uncertain significance for Joubert syndrome. Last evaluated: 2024-02-24. Review status: criteria provided, single submitter. Criteria: Invitae Variant Classification Sherloc (09022015). Collection method: clinical testing. Allele origin: germline.
Comment: This sequence change replaces valine, which is neutral and non-polar, with alanine, which is neutral and non-polar, at codon 561 of the AHI1 protein (p.Val561Ala). This variant is not present in population databases (gnomAD no frequency). This variant has not been reported in the literature in individuals affected with AHI1-related conditions. ClinVar contains an entry for this variant (Variation ID: 1413641). Advanced modeling of protein sequence and biophysical properties (such as structural, functional, and spatial information, amino acid conservation, physicochemical variation, residue mobility, and thermodynamic stability) performed at Invitae indicates that this missense variant is not expected to disrupt AHI1 protein function with a negative predictive value of 95%. In summary, the available evidence is currently insufficient to determine the role of this variant in disease. Therefore, it has been classified as a Variant of Uncertain Significance.